The following is an entry in ClinVar:

ClinVar aggregate classification (germline): Uncertain significance. Review status: criteria provided, multiple submitters, no conflicts (2 of 4 stars). 2 submissions from 2 submitters: Uncertain significance (2). Last evaluated 2025-08-25.

Conditions:
Hereditary cancer-predisposing syndrome. Also called: Hereditary neoplastic syndrome; Neoplastic Syndromes, Hereditary; Tumor predisposition; Hereditary Cancer Syndrome. Identifiers: Orphanet 140162, MedGen C0027672, MeSH D009386, MONDO:0015356.
Bloom syndrome (BLM). Also called: Bloom-Torre-Machacek syndrome. Identifiers: Orphanet 125, MedGen C0005859, MONDO:0008876, OMIM 210900.

Submissions (2):

Ambry Genetics
Classification: Uncertain significance for Hereditary cancer-predisposing syndrome. Last evaluated: 2025-08-25. Review status: criteria provided, single submitter. Criteria: Ambry Variant Classification Scheme 2023. Collection method: clinical testing. Allele origin: germline.
Comment: The p.D606E variant (also known as c.1818C>G), located in coding exon 6 of the BLM gene, results from a C to G substitution at nucleotide position 1818. The aspartic acid at codon 606 is replaced by glutamic acid, an amino acid with highly similar properties. This amino acid position is conserved. In addition, this alteration is predicted to be tolerated by in silico analysis. Based on the available evidence, the clinical significance of this variant remains unclear.

Labcorp Genetics (formerly Invitae), Labcorp
Classification: Uncertain significance for Bloom syndrome. Last evaluated: 2023-03-14. Review status: criteria provided, single submitter. Criteria: Invitae Variant Classification Sherloc (09022015). Collection method: clinical testing. Allele origin: germline.
Comment: This sequence change replaces aspartic acid, which is acidic and polar, with glutamic acid, which is acidic and polar, at codon 606 of the BLM protein (p.Asp606Glu). In summary, the available evidence is currently insufficient to determine the role of this variant in disease. Therefore, it has been classified as a Variant of Uncertain Significance. An algorithm developed to predict the effect of missense changes on protein structure and function (PolyPhen-2) suggests that this variant is likely to be tolerated. This variant has not been reported in the literature in individuals affected with BLM-related conditions. This variant is present in population databases (no rsID available, gnomAD 0.001%).

NM_000057.4(BLM):c.1818C>G (p.Asp606Glu)

Gene: BLM (BLM RecQ like helicase; plus strand). Cytogenetic location: 15q26.1.
Variant type: single nucleotide variant.
Coding change: c.1818C>G on transcript NM_000057.4 (MANE Select); coding-DNA position 1818, C replaced by G.
Protein change: p.Asp606Glu; replaces aspartic acid 606 with glutamic acid.
Molecular consequence: missense variant.
Genome position (GRCh38, 1-based): chr15:90,761,191, C>G. VCF-style: chr15-90761191-C-G. GRCh37 (hg19) VCF-style: chr15-91304421-C-G.
Other names: c.1818C>G, p.Asp606Glu (NM_001287246.2, NM_001287247.2); c.693C>G, p.Asp231Glu (NM_001287248.2); short protein forms D231E, D606E.
Identifiers: ClinVar variation 2785103 (VCV002785103.4), dbSNP rs1343649830, ClinGen allele CA393843908.
Genomic context (GRCh38, chr15:90,761,191, plus strand): 5'-CATCAAGGAAGGTCGGCCAATTAAATCAGTATCAGAAAGACTTTCCTCAGCCAAGACAGA[C>G]TGTCTTCCAGTGTCATCTACTGCTCAAAATATAAACTTCTCAGAGTCAATTCAGAATTAT-3'
Protein context (NP_000048.1, residues 596-616): VSERLSSAKT[Asp606Glu]CLPVSSTAQN